The following is an entry in ClinVar:

ClinVar aggregate classification (germline): Likely benign (1 of 4 stars; one submission).

Allele frequency attached by ClinVar (database versions not stated): gnomAD exomes 0.00001; gnomAD 0.00001; TOPMed 0.00002.
gnomAD v4.1: 8 of 1,613,658 alleles (0.0005%); highest among the groups gnomAD compares: Admixed American, 0.0067%; no homozygotes.

Submission:

GeneDx
Classification: Likely benign. Last evaluated: 2017-07-24. Review status: criteria provided, single submitter. Criteria: GeneDx Variant Classification (06012015). Collection method: clinical testing. Allele origin: germline. Affected: yes.
Comment: This variant is considered likely benign or benign based on one or more of the following criteria: it is a conservative change, it occurs at a poorly conserved position in the protein, it is predicted to be benign by multiple in silico algorithms, and/or has population frequency not consistent with disease.

NM_181882.3(PRX):c.-9A>C

Gene: PRX (periaxin; minus strand). Cytogenetic location: 19q13.2.
Variant type: single nucleotide variant.
Coding change: c.-9A>C on transcript NM_181882.3 (MANE Select); 9 bases upstream of the start codon, A replaced by C.
Molecular consequence: 5 prime UTR variant.
Genome position (GRCh38, 1-based): chr19:40,407,941, T>G on the plus strand (A>C on the coding strand, the complement: PRX is on the minus strand). VCF-style: chr19-40407941-T-G. GRCh37 (hg19) VCF-style: chr19-40913848-T-G.
Other names: c.-9A>C (NM_020956.2).
Identifiers: ClinVar variation 511036 (VCV000511036.1), dbSNP rs200766544, ClinGen allele CA308427582.